The following is an entry in ClinVar:

NM_006031.6(PCNT):c.467_505del (p.His156_Gln168del)

Gene: PCNT (pericentrin; plus strand). Cytogenetic location: 21q22.3.
Variant type: Deletion.
Coding change: c.467_505del on transcript NM_006031.6 (MANE Select); coding-DNA positions 467 to 505, 39 bases deleted.
Protein change: p.His156_Gln168del.
Molecular consequence: inframe deletion.
Genome position (GRCh38, 1-based): chr21:46,334,596-46,334,634, 39 bases deleted; deleting any 39 consecutive bases within chr21:46,334,558-46,334,634 gives the same sequence; the c. name uses the placement nearest the transcript's 3' end. GRCh37 (hg19): chr21:47,754,510-47,754,548.
Other names: c.429_467del39 (NM_006031.5); c.113_151del, p.His38_Gln50del (NM_001315529.2); c.467_505delATGGGATGTTCACAGTCAGTGACCACCCACCAGAACAGC (NM_006031.5).
Identifiers: ClinVar variation 159609 (VCV000159609.33), dbSNP rs587784306, ClinGen allele CA173014.

ClinVar aggregate classification (germline): Benign/Likely benign. Review status: criteria provided, multiple submitters, no conflicts (2 of 4 stars). 8 submissions from 8 submitters: Benign (3); Likely benign (4). 1 of the submissions does not count toward it. Last evaluated 2026-10-01.

Conditions:
Microcephalic osteodysplastic primordial dwarfism type II (MOPD2). Also called: MOPD II; Microcephalic osteodysplastic primordial dwarfism with tooth abnormalities; OSTEODYSPLASTIC PRIMORDIAL DWARFISM, TYPE II. Identifiers: Orphanet 2637, MedGen C0432246, MONDO:0008872, OMIM 210720.

Submissions (8):

CeGaT Center for Human Genetics Tuebingen
Classification: Likely benign. Last evaluated: 2026-10-01. Review status: criteria provided, single submitter. Criteria: CeGaT Center For Human Genetics Tuebingen Variant Classification Criteria Version 2. Collection method: clinical testing. Allele origin: germline. Affected: yes. Observed: 12 variant alleles.
Comment: PCNT: PM4, BS1

Labcorp Genetics (formerly Invitae), Labcorp
Classification: Benign. Last evaluated: 2026-02-01. Review status: criteria provided, single submitter. Criteria: Invitae Variant Classification Sherloc (09022015). Collection method: clinical testing. Allele origin: germline.

Laboratory of Genetics, Children's Clinical University Hospital Latvia
Classification: Benign. Last evaluated: 2025-02-16. Review status: criteria provided, single submitter. Criteria: ACMG Guidelines, 2015. Collection method: clinical testing. Allele origin: germline. Affected: yes.

Blueprint Genetics
Classification: Likely benign. Last evaluated: 2024-11-28. Review status: criteria provided, single submitter. Criteria: ACMG Guidelines, 2015. Collection method: clinical testing. Allele origin: germline.

GeneDx
Classification: Benign. Last evaluated: 2020-05-26. Review status: criteria provided, single submitter. Criteria: GeneDx Variant Classification Process June 2021. Collection method: clinical testing. Allele origin: germline. Affected: yes.

Clinical Genetics DNA and cytogenetics Diagnostics Lab, Erasmus MC, Erasmus Medical Center
Classification: Likely benign for Microcephalic osteodysplastic primordial dwarfism type II. Last evaluated: 2017-02-22. Review status: criteria provided, single submitter. Criteria: ACGS Guidelines, 2013. Collection method: clinical testing. Allele origin: germline. Affected: yes. Study: VKGL Data-share Consensus.

Genetic Services Laboratory, University of Chicago
Classification: Likely benign. Last evaluated: 2013-11-13. Review status: criteria provided, single submitter. Criteria: ACMG Guidelines, 2007. Collection method: clinical testing. Allele origin: germline. Inheritance: Autosomal recessive inheritance.

Diagnostic Laboratory, Department of Genetics, University Medical Center Groningen
Classification: Likely benign for Microcephalic osteodysplastic primordial dwarfism type II. Review status: no assertion criteria provided. Collection method: clinical testing. Allele origin: germline. Affected: yes. Study: VKGL Data-share Consensus. Not counted in ClinVar's aggregate classification.